The following is an entry in ClinVar:

ClinVar aggregate classification (germline): Uncertain significance. Review status: criteria provided, multiple submitters, no conflicts (2 of 4 stars). 3 submissions from 3 submitters: Uncertain significance (3). Last evaluated 2024-07-05.

Conditions:
Inborn genetic diseases. Identifiers: MedGen C0950123, MeSH D030342.

Allele frequency attached by ClinVar (database versions not stated): gnomAD exomes 0.00001; TOPMed 0.00002.
gnomAD v4.1: 4 of 1,613,414 alleles (0.00025%); highest among the groups gnomAD compares: Admixed American, 0.0067%; no homozygotes.

Submissions (3):

Ambry Genetics
Classification: Uncertain significance for Inborn genetic diseases. Last evaluated: 2024-07-05. Review status: criteria provided, single submitter. Criteria: Ambry Variant Classification Scheme 2023. Collection method: clinical testing. Allele origin: germline.

Blueprint Genetics
Classification: Uncertain significance. Last evaluated: 2024-07-04. Review status: criteria provided, single submitter. Criteria: ACMG Guidelines, 2015. Collection method: clinical testing. Allele origin: germline.

Labcorp Genetics (formerly Invitae), Labcorp
Classification: Uncertain significance. Last evaluated: 2022-08-18. Review status: criteria provided, single submitter. Criteria: Invitae Variant Classification Sherloc (09022015). Collection method: clinical testing. Allele origin: germline.
Comment: This sequence change replaces serine, which is neutral and polar, with asparagine, which is neutral and polar, at codon 5962 of the ADGRV1 protein (p.Ser5962Asn). This variant is present in population databases (no rsID available, gnomAD 0.003%). This variant has not been reported in the literature in individuals affected with ADGRV1-related conditions. ClinVar contains an entry for this variant (Variation ID: 851246). Algorithms developed to predict the effect of missense changes on protein structure and function are either unavailable or do not agree on the potential impact of this missense change (SIFT: "Tolerated"; PolyPhen-2: "Possibly Damaging"; Align-GVGD: "Class C0"). In summary, the available evidence is currently insufficient to determine the role of this variant in disease. Therefore, it has been classified as a Variant of Uncertain Significance.

NM_032119.4(ADGRV1):c.17885G>A (p.Ser5962Asn)

Gene: ADGRV1 (adhesion G protein-coupled receptor V1; plus strand). Cytogenetic location: 5q14.3.
Variant type: single nucleotide variant.
Coding change: c.17885G>A on transcript NM_032119.4 (MANE Select); coding-DNA position 17885, G replaced by A.
Protein change: p.Ser5962Asn; replaces serine 5962 with asparagine.
Molecular consequence: missense variant. On other transcripts: non-coding transcript variant (1).
Genome position (GRCh38, 1-based): chr5:90,965,443, G>A. VCF-style: chr5-90965443-G-A. GRCh37 (hg19) VCF-style: chr5-90261260-G-A.
Other names: short protein forms S5962N.
Identifiers: ClinVar variation 851246 (VCV000851246.9), dbSNP rs1432122727, ClinGen allele CA360426650.
Genomic context (GRCh38, chr5:90,965,443, plus strand): 5'-ATTTTAAAAATAGAAGTATCTGTTTCTTACAGATTCTGTTTCTGGCGTCTGCATACGCAA[G>A]TCCCCAACTCGCTGAGGAGAGCTGTTCAGCTATGGCTGCTGTCACACATTACCTGTATCT-3'
Protein context (NP_115495.3, residues 5952-5972): QILFLASAYA[Ser5962Asn]PQLAEESCSA